The following is an entry in ClinVar:

ClinVar aggregate classification (germline): Uncertain significance (1 of 4 stars; one submission).

Conditions:
Hereditary cancer-predisposing syndrome. Also called: Tumor predisposition; Hereditary Cancer Syndrome; Neoplastic Syndromes, Hereditary; Hereditary neoplastic syndrome. Identifiers: Orphanet 140162, MedGen C0027672, MeSH D009386, MONDO:0015356.

Allele frequency attached by ClinVar (database versions not stated): gnomAD exomes below 0.00001; TOPMed below 0.00001.
gnomAD v4.1: 2 of 1,613,956 alleles (0.00012%); highest among the groups gnomAD compares: Non-Finnish European, 0.00017%; no homozygotes.

Submission:

Ambry Genetics
Classification: Uncertain significance for Hereditary cancer-predisposing syndrome. Last evaluated: 2024-04-06. Review status: criteria provided, single submitter. Criteria: Ambry Variant Classification Scheme 2023. Collection method: clinical testing. Allele origin: germline.
Comment: The p.Y88H variant (also known as c.262T>C), located in coding exon 1 of the GREM1 gene, results from a T to C substitution at nucleotide position 262. The tyrosine at codon 88 is replaced by histidine, an amino acid with similar properties. This amino acid position is conserved. In addition, the in silico prediction for this alteration is inconclusive. Since supporting evidence is limited at this time, the clinical significance of this alteration remains unclear.

NM_013372.7(GREM1):c.262T>C (p.Tyr88His)

Gene: GREM1 (gremlin 1, DAN family BMP antagonist; plus strand). Cytogenetic location: 15q13.3.
Variant type: single nucleotide variant.
Coding change: c.262T>C on transcript NM_013372.7 (MANE Select); coding-DNA position 262, T replaced by C.
Protein change: p.Tyr88His; replaces tyrosine 88 with histidine.
Molecular consequence: missense variant.
Genome position (GRCh38, 1-based): chr15:32,730,952, T>C. VCF-style: chr15-32730952-T-C. GRCh37 (hg19) VCF-style: chr15-33023153-T-C.
Other names: c.52T>C, p.Tyr18His (NM_001191322.2); c.139T>C, p.Tyr47His (NM_001191323.2); c.262T>C, p.Tyr88His (NM_001368719.1); short protein forms Y88H, Y18H, Y47H.
Identifiers: ClinVar variation 1794039 (VCV001794039.3), dbSNP rs1340557778, ClinGen allele CA391557544.